The following is an entry in ClinVar:

ClinVar aggregate classification (germline): Uncertain significance (1 of 4 stars; one submission).

Conditions:
Shashi-Pena syndrome (SHAPNS). Identifiers: Orphanet 689408, MedGen C4310672, MONDO:0014963, OMIM 617190.

Submission:

Laboratorio de Genetica e Diagnostico Molecular, Hospital Israelita Albert Einstein
Classification: Uncertain significance for Shashi-Pena syndrome. Last evaluated: 2025-02-21. Review status: criteria provided, single submitter. Criteria: ACMG Guidelines, 2015. Collection method: clinical testing. Allele origin: germline. Affected: yes.
Comment: ACMG classification criteria: PM2 supporting, PP3 supporting

NM_018263.6(ASXL2):c.939+1G>T

Gene: ASXL2 (ASXL transcriptional regulator 2; minus strand). Cytogenetic location: 2p23.3.
Variant type: single nucleotide variant.
Coding change: c.939+1G>T on transcript NM_018263.6 (MANE Select); the canonical splice donor site of the intron after coding-DNA position 939, G replaced by T.
Molecular consequence: splice donor variant.
Genome position (GRCh38, 1-based): chr2:25,759,481, C>A on the plus strand (G>T on the coding strand, the complement: ASXL2 is on the minus strand). VCF-style: chr2-25759481-C-A. GRCh37 (hg19) VCF-style: chr2-25982350-C-A.
Other names: c.765+1G>T (NM_001369346.1); c.159+1G>T (NM_001369347.1).
Identifiers: ClinVar variation 3901004 (VCV003901004.1).